The following is an entry in ClinVar:

ClinVar aggregate classification (germline): Uncertain significance (1 of 4 stars; one submission).

Allele frequency attached by ClinVar (database versions not stated): gnomAD 0.00001; gnomAD exomes 0.00001; TOPMed 0.00001; ExAC 0.00002.
gnomAD v4.1: 19 of 1,610,322 alleles (0.0012%); highest among the groups gnomAD compares: South Asian, 0.018%; no homozygotes.

Submission:

Labcorp Genetics (formerly Invitae), Labcorp
Classification: Uncertain significance. Last evaluated: 2022-08-16. Review status: criteria provided, single submitter. Criteria: Invitae Variant Classification Sherloc (09022015). Collection method: clinical testing. Allele origin: germline.
Comment: This variant has not been reported in the literature in individuals affected with PNPT1-related conditions. In summary, the available evidence is currently insufficient to determine the role of this variant in disease. Therefore, it has been classified as a Variant of Uncertain Significance. Variants that disrupt the consensus splice site are a relatively common cause of aberrant splicing (PMID: 17576681, 9536098). Algorithms developed to predict the effect of sequence changes on RNA splicing suggest that this variant is not likely to affect RNA splicing. This variant is present in population databases (rs776100827, gnomAD 0.02%). This sequence change falls in intron 17 of the PNPT1 gene. It does not directly change the encoded amino acid sequence of the PNPT1 protein. It affects a nucleotide within the consensus splice site.

Literature cited by the submitters: PubMed 17576681; PubMed 9536098.

NM_033109.5(PNPT1):c.1441+6G>A

Gene: PNPT1 (polyribonucleotide nucleotidyltransferase 1; minus strand). Cytogenetic location: 2p16.1.
Variant type: single nucleotide variant.
Coding change: c.1441+6G>A on transcript NM_033109.5 (MANE Select); 6 bases into the intron after coding-DNA position 1441, G replaced by A.
Molecular consequence: intron variant.
Genome position (GRCh38, 1-based): chr2:55,656,125, C>T on the plus strand (G>A on the coding strand, the complement: PNPT1 is on the minus strand). VCF-style: chr2-55656125-C-T. GRCh37 (hg19) VCF-style: chr2-55883260-C-T.
Identifiers: ClinVar variation 1955890 (VCV001955890.5), dbSNP rs776100827, ClinGen allele CA1668087.
Genomic context (GRCh38, chr2:55,656,125, plus strand): 5'-AAAACTTAATAATAGAATAGGGAATATGGTCTTTTCTACTATGAAAGAAGTATTTCAATA[C>T]CATACCATTTGACTCTAGGACTTCAGATGTAACTCTTATGGTGAAAGGAAAATCTCGGGG-3'